The following is an entry in ClinVar:

NM_000321.3(RB1):c.34_42del (p.9TAA[1])

Gene: RB1 (RB transcriptional corepressor 1; plus strand). Cytogenetic location: 13q14.2.
Variant type: Deletion.
Coding change: c.34_42del on transcript NM_000321.3 (MANE Select); coding-DNA positions 34 to 42, 9 bases deleted (ACCGCCGCC; older notation c.34_42delACCGCCGCC).
Protein change: p.9TAA[1].
Molecular consequence: inframe deletion.
Genome position (GRCh38, 1-based): chr13:48,303,946-48,303,954, ACCGCCGCC deleted; deleting any 9 consecutive bases within chr13:48,303,940-48,303,954 gives the same sequence; the c. name uses the placement nearest the transcript's 3' end. VCF-style (leftmost placement, unchanged base first): chr13-48303939-GGCCGCCACC-G. GRCh37 (hg19) VCF-style: chr13-48878075-GGCCGCCACC-G.
Other names: c.34_42delACCGCCGCC (NM_000321.2).
Identifiers: ClinVar variation 410933 (VCV000410933.19), dbSNP rs759465865, ClinGen allele CA037461.
Genomic context (GRCh38, chr13:48,303,939, plus strand): 5'-CACAGCTCGCTGGCTCCCGCCGCGGAAAGGCGTCATGCCGCCCAAAACCCCCCGAAAAAC[GGCCGCCACC>G]GCCGCCGCTGCCGCCGCGGAACCCCCGGCACCGCCGCCGCCGCCCCCTCCTGAGGAGGAC-3'

ClinVar aggregate classification (germline): Conflicting classifications of pathogenicity. Review status: criteria provided, conflicting classifications (1 of 4 stars). 5 submissions from 5 submitters: Uncertain significance (1); Likely benign (4). Last evaluated 2026-06-18.

Conditions:
Hereditary cancer-predisposing syndrome. Also called: Hereditary Cancer Syndrome; Neoplastic Syndromes, Hereditary; Hereditary neoplastic syndrome; Tumor predisposition. Identifiers: Orphanet 140162, MedGen C0027672, MeSH D009386, MONDO:0015356.
Retinoblastoma (RB1). Also called: RETINOBLASTOMA, SOMATIC. Identifiers: Orphanet 790, MedGen C0035335, MeSH D012175, MONDO:0008380, OMIM 180200, HP:0009919. Disease mechanism: loss of function. Inheritance: Both sporadic and heritable forms are tested..

Submissions (5):

Myriad Genetics, Inc.
Classification: Likely benign for Retinoblastoma. Last evaluated: 2026-06-18. Review status: criteria provided, single submitter. Criteria: Myriad Autosomal Dominant, Autosomal Recessive and X-Linked Classification Criteria (2023). Collection method: clinical testing. Allele origin: unknown.
Comment: This variant is considered likely benign. This variant has been observed at a population frequency that is significantly greater than expected given the associated disease prevalence and penetrance.

Labcorp Genetics (formerly Invitae), Labcorp
Classification: Likely benign for Retinoblastoma. Last evaluated: 2025-11-17. Review status: criteria provided, single submitter. Criteria: Invitae Variant Classification Sherloc (09022015). Collection method: clinical testing. Allele origin: germline.

Laboratory of Genetics, Children's Clinical University Hospital Latvia
Classification: Likely benign. Last evaluated: 2025-02-16. Review status: criteria provided, single submitter. Criteria: ACMG Guidelines, 2015. Collection method: clinical testing. Allele origin: germline. Affected: yes.

All of Us Research Program, National Institutes of Health
Classification: Uncertain significance for Retinoblastoma. Last evaluated: 2023-06-26. Review status: criteria provided, single submitter. Criteria: ACMG Guidelines, 2015. Collection method: clinical testing. Allele origin: germline. Inheritance: Autosomal dominant inheritance. Observed: 2 variant alleles, 2 heterozygotes.
Comment: This variant is a 3 amino acid deletion located at positions 12-14 in the RB1 protein. To our knowledge, functional studies have not been reported for this variant. This variant has not been reported in individuals affected with RB1-related disorders in the literature. This variant has been identified in 8/105152 chromosomes in the general population by the Genome Aggregation Database (gnomAD). The available evidence is insufficient to determine the role of this variant in disease conclusively. Therefore, this variant is classified as a Variant of Uncertain Significance.

This study involves interpretation of variants in research participants for the purpose of population health screening. Participant phenotype was not available at the time of variant classification. Additional details can be found in publication PMID: 35346344, PMCID: PMC8962531

Ambry Genetics
Classification: Likely benign for Hereditary cancer-predisposing syndrome. Last evaluated: 2021-04-13. Review status: criteria provided, single submitter. Criteria: Ambry Variant Classification Scheme 2023. Collection method: clinical testing. Allele origin: germline.